The following is an entry in ClinVar:

NM_001355436.2(SPTB):c.985_1000del (p.Arg328_Lys329insTer)

Gene: SPTB (spectrin beta, erythrocytic; minus strand). Cytogenetic location: 14q23.3.
Variant type: Deletion.
Coding change: c.985_1000del on transcript NM_001355436.2 (MANE Select); coding-DNA positions 985 to 1000, 16 bases deleted (AAGTTTGCCAACTCGC).
Protein change: p.Arg328_Lys329insTer.
Molecular consequence: nonsense.
Genome position (GRCh38, 1-based): chr14:64,799,811-64,799,826, GCGAGTTGGCAAACTT deleted on the plus strand (AAGTTTGCCAACTCGC on the coding strand, the reverse complement: SPTB is on the minus strand); deleting any 16 consecutive bases within chr14:64,799,811-64,799,829 gives the same sequence; the c. name uses the placement nearest the transcript's 3' end. VCF-style (leftmost placement, unchanged base first): chr14-64799810-AGCGAGTTGGCAAACTT-A. GRCh37 (hg19) VCF-style: chr14-65266528-AGCGAGTTGGCAAACTT-A.
Other names: p.Lys329*; c.985_1000del, p.Arg328_Lys329insTer (NM_001024858.4, NM_001355437.2).
Identifiers: ClinVar variation 3381120 (VCV003381120.1).

ClinVar aggregate classification (germline): Likely pathogenic (1 of 4 stars; one submission).

Submission:

Mayo Clinic Laboratories, Mayo Clinic
Classification: Likely pathogenic. Last evaluated: 2023-11-17. Review status: criteria provided, single submitter. Criteria: ACMG Guidelines, 2015. Collection method: clinical testing. Allele origin: germline. Observed: 1 variant allele.
Comment: PM2_moderate, PVS1